The following is an entry in ClinVar:

NR_033294.2(SNORD118):n.41G>A

Genes: SNORD118 (small nucleolar RNA, C/D box 118; minus strand), TMEM107 (transmembrane protein 107; minus strand). Cytogenetic location: 17p13.1.
Variant type: single nucleotide variant.
Molecular consequence: non-coding transcript variant (on NR_033294.2). On other transcripts: 3 prime UTR variant (5).
Genome position: GRCh38 VCF-style: chr17-8173548-C-T. GRCh37 (hg19) VCF-style: chr17-8076866-C-T.
Other names: c.*655G>A (NM_001351278.2, NM_001351279.2, NM_001351280.2 and 2 more transcripts).
Identifiers: ClinVar variation 1896296 (VCV001896296.5), dbSNP rs182078929, ClinGen allele CA8370752.

ClinVar aggregate classification (germline): Uncertain significance (1 of 4 stars; one submission).

Allele frequency attached by ClinVar (database versions not stated): ExAC 0.00006; gnomAD 0.00013; 1000 Genomes Project 0.00060; 1000 Genomes Project 30x 0.00062.
gnomAD v4.1: 57 of 765,368 alleles (0.0074%); highest among the groups gnomAD compares: Admixed American, 0.03%; no homozygotes.

Submission:

Labcorp Genetics (formerly Invitae), Labcorp
Classification: Uncertain significance. Last evaluated: 2021-12-18. Review status: criteria provided, single submitter. Criteria: Invitae Variant Classification Sherloc (09022015). Collection method: clinical testing. Allele origin: germline.
Comment: In summary, the available evidence is currently insufficient to determine the role of this variant in disease. Therefore, it has been classified as a Variant of Uncertain Significance. Experimental studies and prediction algorithms are not available or were not evaluated, and the functional significance of this variant is currently unknown. This variant has not been reported in the literature in individuals affected with SNORD118-related conditions. This variant is present in population databases (rs182078929, gnomAD 0.02%). This variant occurs in the SNORD118 gene, which encodes an RNA molecule that does not result in a protein product.